The following is an entry in ClinVar:

NM_004928.3(CFAP410):c.58G>T (p.Val20Leu)

Genes: CFAP410 (cilia and flagella associated protein 410; minus strand), LOC130066823 (ATAC-STARR-seq lymphoblastoid silent region 13383; plus strand). Cytogenetic location: 21q22.3.
Variant type: single nucleotide variant.
Coding change: c.58G>T on transcript NM_004928.3 (MANE Select); coding-DNA position 58, G replaced by T.
Protein change: p.Val20Leu; replaces valine 20 with leucine.
Molecular consequence: missense variant.
Genome position (GRCh38, 1-based): chr21:44,339,137, C>A on the plus strand (G>T on the coding strand, the complement: CFAP410 is on the minus strand). VCF-style: chr21-44339137-C-A. GRCh37 (hg19) VCF-style: chr21-45759020-C-A.
Other names: c.58G>T, p.Val20Leu (NM_001271440.2, NM_001271441.2); short protein forms V20L.
Identifiers: ClinVar variation 2185005 (VCV002185005.3), dbSNP rs1014370765, ClinGen allele CA410461107.

ClinVar aggregate classification (germline): Uncertain significance (1 of 4 stars; one submission).

gnomAD v4.1: 6 of 1,465,132 alleles (0.00041%); highest among the groups gnomAD compares: Non-Finnish European, 0.00054%; no homozygotes.

Submission:

Labcorp Genetics (formerly Invitae), Labcorp
Classification: Uncertain significance. Last evaluated: 2022-06-23. Review status: criteria provided, single submitter. Criteria: Invitae Variant Classification Sherloc (09022015). Collection method: clinical testing. Allele origin: germline.
Comment: Algorithms developed to predict the effect of missense changes on protein structure and function are either unavailable or do not agree on the potential impact of this missense change (SIFT: "Deleterious"; PolyPhen-2: "Benign"; Align-GVGD: "Class C0"). In summary, the available evidence is currently insufficient to determine the role of this variant in disease. Therefore, it has been classified as a Variant of Uncertain Significance. This variant has not been reported in the literature in individuals affected with CFAP410-related conditions. This sequence change replaces valine, which is neutral and non-polar, with leucine, which is neutral and non-polar, at codon 20 of the CFAP410 protein (p.Val20Leu). This variant is not present in population databases (gnomAD no frequency).